The following is an entry in ClinVar:

ClinVar aggregate classification (germline): Uncertain significance (1 of 4 stars; one submission).

gnomAD v4.1: 5 of 1,207,892 alleles (0.00041%); highest among the groups gnomAD compares: African/African-American, 0.0088%; no homozygotes.

Submission:

GeneDx
Classification: Uncertain significance. Last evaluated: 2025-11-19. Review status: criteria provided, single submitter. Criteria: GeneDx Variant Classification Process June 2021. Collection method: clinical testing. Allele origin: germline.
Comment: In silico analysis supports that this missense variant has a deleterious effect on protein structure/function; Has not been previously published as pathogenic or benign to our knowledge

NM_001291415.2(KDM6A):c.4003G>T (p.Val1335Phe)

Gene: KDM6A (lysine demethylase 6A; plus strand). Cytogenetic location: Xp11.3.
Variant type: single nucleotide variant.
Coding change: c.4003G>T on transcript NM_001291415.2 (MANE Select); coding-DNA position 4003, G replaced by T.
Protein change: p.Val1335Phe; replaces valine 1335 with phenylalanine.
Molecular consequence: missense variant.
Genome position (GRCh38, 1-based): chrX:45,090,833, G>T. VCF-style: chrX-45090833-G-T. GRCh37 (hg19) VCF-style: chrX-44950078-G-T.
Other names: c.3868G>T, p.Val1290Phe (NM_001291416.2, NM_001419811.1); c.3712G>T, p.Val1238Phe (NM_001291417.2); c.3610G>T, p.Val1204Phe (NM_001291418.2, NM_001419815.1); c.2959G>T, p.Val987Phe (NM_001291421.2); c.3745G>T, p.Val1249Phe (NM_001410742.1, NM_001419814.1); c.4003G>T, p.Val1335Phe (NM_001419809.1); c.3901G>T, p.Val1301Phe (NM_001419810.1, NM_001419813.1); c.3847G>T, p.Val1283Phe (NM_001419812.1, NM_021140.4); short protein forms V1204F, V1238F, V1249F, V1283F, V1290F, V1301F, V1335F, V987F.
Identifiers: ClinVar variation 3381723 (VCV003381723.2).